The following is an entry in ClinVar:

NM_006420.3(ARFGEF2):c.*2602A>G

Gene: ARFGEF2 (ARF guanine nucleotide exchange factor 2; plus strand). Cytogenetic location: 20q13.13.
Variant type: single nucleotide variant.
Coding change: c.*2602A>G on transcript NM_006420.3 (MANE Select); 2602 bases downstream of the stop codon, A replaced by G.
Molecular consequence: 3 prime UTR variant.
Genome position (GRCh38, 1-based): chr20:49,035,801, A>G. VCF-style: chr20-49035801-A-G. GRCh37 (hg19) VCF-style: chr20-47652338-A-G.
Identifiers: ClinVar variation 338738 (VCV000338738.6), dbSNP rs707534, ClinGen allele CA10644079.

ClinVar aggregate classification (germline): Benign. Review status: criteria provided, multiple submitters, no conflicts (2 of 4 stars). 2 submissions from 2 submitters: Benign (2). Last evaluated 2018-01-13.

Conditions:
Periventricular heterotopia with microcephaly, autosomal recessive (ARPHM). Also called: PERIVENTRICULAR NODULAR HETEROTOPIA 2; Periventricular heterotopia with microcephaly. Identifiers: Orphanet 2149, MedGen C1842563, MONDO:0011966, OMIM 608097.

Allele frequency attached by ClinVar (database versions not stated): gnomAD exomes 0.22690; 1000 Genomes Project 0.34625; 1000 Genomes Project 30x 0.34916; gnomAD 0.36159 and 0.36873; TOPMed 0.36196.
gnomAD v4.1: 60,293 of 175,660 alleles (34%); highest among the groups gnomAD compares: African/African-American, 53%; 11,657 homozygotes.

Submissions (2):

Illumina Laboratory Services, Illumina
Classification: Benign for Periventricular heterotopia with microcephaly, autosomal recessive. Last evaluated: 2018-01-13. Review status: criteria provided, single submitter. Criteria: ICSL Variant Classification Criteria 13 December 2019. Collection method: clinical testing. Allele origin: germline.
Comment: This variant was observed in the ICSL laboratory as part of a predisposition screen in an ostensibly healthy population. It had not been previously curated by ICSL or reported in the Human Gene Mutation Database (HGMD: prior to June 1st, 2018), and was therefore a candidate for classification through an automated scoring system. Utilizing variant allele frequency, disease prevalence and penetrance estimates, and inheritance mode, an automated score was calculated to assess if this variant is too frequent to cause the disease. Based on the score and internal cut-off values, a variant classified as benign is not then subjected to further curation. The score for this variant resulted in a classification of benign for this disease.

Breakthrough Genomics
Classification: Benign. Review status: criteria provided, single submitter. Criteria: ACMG Guidelines, 2015. Collection method: not provided. Allele origin: germline. Inheritance: Autosomal recessive inheritance. Affected: yes.